The following is an entry in ClinVar:

ClinVar aggregate classification (germline): Likely benign. Review status: criteria provided, multiple submitters, no conflicts (2 of 4 stars). 2 submissions from 2 submitters: Likely benign (2). Last evaluated 2024-10-17.

Conditions:
Joubert syndrome 25 (JBTS25). Identifiers: Orphanet 475, MedGen C4084842, MONDO:0014770, OMIM 616781.

Allele frequency attached by ClinVar (database versions not stated): gnomAD exomes below 0.00001; gnomAD 0.00001; TOPMed 0.00001.
gnomAD v4.1: 8 of 1,611,388 alleles (0.0005%); highest among the groups gnomAD compares: Non-Finnish European, 0.00059%; no homozygotes.

Submissions (2):

Labcorp Genetics (formerly Invitae), Labcorp
Classification: Likely benign for Joubert syndrome 25. Last evaluated: 2024-10-17. Review status: criteria provided, single submitter. Criteria: Invitae Variant Classification Sherloc (09022015). Collection method: clinical testing. Allele origin: germline.

CeGaT Center for Human Genetics Tuebingen
Classification: Likely benign. Last evaluated: 2022-12-01. Review status: criteria provided, single submitter. Criteria: CeGaT Center For Human Genetics Tuebingen Variant Classification Criteria Version 2. Collection method: clinical testing. Allele origin: germline. Affected: yes. Observed: 1 variant allele.
Comment: CEP104: BP4, BP7

NM_014704.4(CEP104):c.729G>A (p.Leu243=)

Gene: CEP104 (centrosomal protein 104; minus strand). Cytogenetic location: 1p36.32.
Variant type: single nucleotide variant.
Coding change: c.729G>A on transcript NM_014704.4 (MANE Select); coding-DNA position 729, G replaced by A.
Protein change: p.Leu243=; no amino-acid change (leucine 243 retained).
Molecular consequence: synonymous variant.
Genome position (GRCh38, 1-based): chr1:3,839,614, C>T on the plus strand (G>A on the coding strand, the complement: CEP104 is on the minus strand). VCF-style: chr1-3839614-C-T. GRCh37 (hg19) VCF-style: chr1-3756178-C-T.
Identifiers: ClinVar variation 1595984 (VCV001595984.33), dbSNP rs897283929, ClinGen allele CA17087209.
Genomic context (GRCh38, chr1:3,839,614, plus strand): 5'-ACATAAAACCTATTACAGGCATAAATTAGGAACTGTTTTCTCCAAAGGCAATACCTTTTG[C>T]AAATCAGCAATGGCTTGTTTTAGTTTCTTGGCATAATCATAGCGTTCCTTTTGGACAGCT-3'
Protein context (NP_055519.1, residues 233-253): AKKLKQAIAD[Leu243=]QKVGERLGRY